The following is an entry in ClinVar:

ClinVar aggregate classification (germline): Pathogenic (1 of 4 stars; one submission).

Conditions:
Cardiovascular phenotype. Identifiers: MedGen CN230736.
Hereditary cancer-predisposing syndrome. Also called: Tumor predisposition; Hereditary neoplastic syndrome; Neoplastic Syndromes, Hereditary; Hereditary Cancer Syndrome. Identifiers: Orphanet 140162, MedGen C0027672, MeSH D009386, MONDO:0015356.

Submission:

Ambry Genetics
Classification: Pathogenic for Cardiovascular phenotype; Hereditary cancer-predisposing syndrome. Last evaluated: 2025-03-18. Review status: criteria provided, single submitter. Criteria: Ambry Variant Classification Scheme 2023. Collection method: clinical testing. Allele origin: germline.
Comment: The c.3042dupA pathogenic mutation, located in coding exon 23 of the NF1 gene, results from a duplication of A at nucleotide position 3042, causing a translational frameshift with a predicted alternate stop codon (p.L1015Tfs*6). This variant is considered to be rare based on population cohorts in the Genome Aggregation Database (gnomAD). This alteration is expected to result in loss of function by premature protein truncation or nonsense-mediated mRNA decay. As such, this alteration is interpreted as a disease-causing mutation.

NM_001042492.3(NF1):c.3042dup (p.Leu1015fs)

Gene: NF1 (neurofibromin 1; plus strand). Cytogenetic location: 17q11.2.
Variant type: Duplication.
Coding change: c.3042dup on transcript NM_001042492.3 (MANE Select); coding-DNA position 3042, one base duplicated (A; older notation c.3042dupA).
Protein change: p.Leu1015fs; shifts the reading frame from leucine 1015.
Molecular consequence: frameshift variant.
Genome position (GRCh38, 1-based): chr17:31,230,311, A duplicated; the last of 3 consecutive A bases (chr17:31,230,309-31,230,311); duplicating any one gives the same sequence. VCF-style (leftmost placement, unchanged base first): chr17-31230308-G-GA. GRCh37 (hg19) VCF-style: chr17-29557326-G-GA.
Other names: c.3042dupA (NM_000267.3); c.3042dup, p.Leu1015Thrfs (NM_000267.4); short protein forms L1015fs.
Identifiers: ClinVar variation 4012476 (VCV004012476.1).
Genomic context (GRCh38, chr17:31,230,308, plus strand): 5'-ATGTCTATATAGGTATGTTCGTGTGCTTGGGAATATGGTCCATGCAATTCAAATAAAAAC[G>GA]AAACTGTGTCAATTAGTTGAAGTAATGATGGCAAGGAGAGATGACCTCTCATTTTGCCAA-3'